The following is an entry in ClinVar:

ClinVar aggregate classification (germline): Uncertain significance (1 of 4 stars; one submission).

Conditions:
Hepatic veno-occlusive disease-immunodeficiency syndrome. Also called: Hepatic Veno-Occlusive Disease with Immunodeficiency. Identifiers: Orphanet 79124, MedGen C1856128, MONDO:0009338, OMIM 235550. Disease mechanism: loss of function.

Submission:

Labcorp Genetics (formerly Invitae), Labcorp
Classification: Uncertain significance for Hepatic veno-occlusive disease-immunodeficiency syndrome. Last evaluated: 2022-07-17. Review status: criteria provided, single submitter. Criteria: Invitae Variant Classification Sherloc (09022015). Collection method: clinical testing. Allele origin: germline.
Comment: In summary, the available evidence is currently insufficient to determine the role of this variant in disease. Therefore, it has been classified as a Variant of Uncertain Significance. Algorithms developed to predict the effect of missense changes on protein structure and function output the following: SIFT: "Tolerated"; PolyPhen-2: "Benign"; Align-GVGD: "Class C0". The threonine amino acid residue is found in multiple mammalian species, which suggests that this missense change does not adversely affect protein function. This variant has not been reported in the literature in individuals affected with SP110-related conditions. This variant is not present in population databases (gnomAD no frequency). This sequence change replaces serine, which is neutral and polar, with threonine, which is neutral and polar, at codon 157 of the SP110 protein (p.Ser157Thr).

NM_080424.4(SP110):c.470G>C (p.Ser157Thr)

Genes: SP110 (SP110 nuclear body protein; minus strand), SP140 (SP140 nuclear body protein; plus strand). Cytogenetic location: 2q37.1.
Variant type: single nucleotide variant.
Coding change: c.470G>C on transcript NM_080424.4 (MANE Select); coding-DNA position 470, G replaced by C.
Protein change: p.Ser157Thr; replaces serine 157 with threonine.
Molecular consequence: missense variant.
Genome position (GRCh38, 1-based): chr2:230,212,874, C>G on the plus strand (G>C on the coding strand, the complement: SP110 is on the minus strand). VCF-style: chr2-230212874-C-G. GRCh37 (hg19) VCF-style: chr2-231077589-C-G.
Other names: c.488G>C, p.Ser163Thr (NM_001185015.2, NM_001378442.1, NM_001378444.1 and 2 more transcripts); c.470G>C, p.Ser157Thr (NM_001378443.1, NM_001378447.1, NM_004509.5 and 1 more transcripts); short protein forms S163T, S157T.
Identifiers: ClinVar variation 2113127 (VCV002113127.4), dbSNP rs2470027567, ClinGen allele CA350916581.